The following is an entry in ClinVar:

NM_007194.4(CHEK2):c.185_187delinsGGACAGTAGAGACAGTACTGAGCTGAG (p.Ser62_Leu63delinsTrpThrValGluThrValLeuSerTer)

Gene: CHEK2 (checkpoint kinase 2; minus strand). Cytogenetic location: 22q12.1.
Variant type: Indel.
Coding change: c.185_187delinsGGACAGTAGAGACAGTACTGAGCTGAG on transcript NM_007194.4 (MANE Select); coding-DNA positions 185 to 187, CCT replaced by GGACAGTAGAGACAGTACTGAGCTGAG.
Protein change: p.Ser62_Leu63delinsTrpThrValGluThrValLeuSerTer.
Molecular consequence: nonsense. On other transcripts: 5 prime UTR variant (1), intron variant (1).
Genome position (GRCh38, 1-based): chr22:28,734,535-28,734,537, AGG replaced by CTCAGCTCAGTACTGTCTCTACTGTCC on the plus strand (CCT replaced by GGACAGTAGAGACAGTACTGAGCTGAG on the coding strand, the reverse complement: CHEK2 is on the minus strand). VCF-style: chr22-28734535-AGG-CTCAGCTCAGTACTGTCTCTACTGTCC. GRCh37 (hg19) VCF-style: chr22-29130523-AGG-CTCAGCTCAGTACTGTCTCTACTGTCC.
Other names: c.185_187delinsGGACAGTAGAGACAGTACTGAGCTGAG, p.Ser62_Leu63delinsTrpThrValGluThrValLeuSerTer (NM_001005735.3, NM_001349956.3, NM_001438293.1 and 3 more transcripts); c.-593_-591delinsGGACAGTAGAGACAGTACTGAGCTGAG (NM_001257387.3); c.-345+7232_-345+7234delinsGGACAGTAGAGACAGTACTGAGCTGAG (NM_001437942.1).
Identifiers: ClinVar variation 4868933 (VCV004868933.1).
Genomic context (GRCh38, chr22:28,734,535, plus strand): 5'-GGTCCTCAGGTTCTTGGTCCTCAGGAATAGAATAGAGTTCCTGAGTGGACACTGTCTCTA[AGG>CTCAGCTCAGTACTGTCTCTACTGTCC]AGCTCAGTGTCCCAGAGCTGGAGTGAGAGGACTGGCTGGAGTTTGGCATCGTGCTGGTAG-3'

ClinVar aggregate classification (germline): Pathogenic (1 of 4 stars; one submission).

Conditions:
Hereditary cancer-predisposing syndrome. Also called: Neoplastic Syndromes, Hereditary; Tumor predisposition; Hereditary Cancer Syndrome; Hereditary neoplastic syndrome. Identifiers: Orphanet 140162, MedGen C0027672, MeSH D009386, MONDO:0015356.

Submission:

Ambry Genetics
Classification: Pathogenic for Hereditary cancer-predisposing syndrome. Last evaluated: 2026-04-24. Review status: criteria provided, single submitter. Criteria: Ambry Variant Classification Scheme 2023. Collection method: clinical testing. Allele origin: germline.
Comment: The c.185_187delCCTins27 variant, located in coding exon 1 of the CHEK2 gene, results from an in-frame deletion of CCT and insertion of GGACAGTAGAGACAGTACTGAGCTGAG at nucleotide positions 185 to 187 causing a translational frameshift with a predicted alternate stop codon (p.S62_L63delinsWTVETVLS*). This variant is considered to be rare based on population cohorts in the Genome Aggregation Database (gnomAD). This variant is expected to result in loss of function by premature protein truncation or nonsense-mediated mRNA decay. As such, this variant is interpreted as a disease-causing mutation.